The following is an entry in ClinVar:

NM_015909.4(NBAS):c.6265C>T (p.Leu2089=)

Gene: NBAS (NBAS subunit of NRZ tethering complex; minus strand). Cytogenetic location: 2p24.3.
Variant type: single nucleotide variant.
Coding change: c.6265C>T on transcript NM_015909.4 (MANE Select); coding-DNA position 6265, C replaced by T.
Protein change: p.Leu2089=; no amino-acid change (leucine 2089 retained).
Molecular consequence: synonymous variant.
Genome position (GRCh38, 1-based): chr2:15,218,940, G>A on the plus strand (C>T on the coding strand, the complement: NBAS is on the minus strand). VCF-style: chr2-15218940-G-A. GRCh37 (hg19) VCF-style: chr2-15359064-G-A.
Other names: c.6265C>T (NM_015909.3).
Identifiers: ClinVar variation 1565077 (VCV001565077.9), dbSNP rs143354409, ClinGen allele CA1535062.

ClinVar aggregate classification (germline): Likely benign. Review status: criteria provided, multiple submitters, no conflicts (2 of 4 stars). 2 submissions from 2 submitters: Likely benign (2). Last evaluated 2026-09-13.

Conditions:
NBAS-related disorder. Also called: NBAS-related condition.

Allele frequency attached by ClinVar (database versions not stated): gnomAD exomes 0.00003 and 0.00009; ExAC 0.00008; 1000 Genomes Project 0.00020; gnomAD 0.00027 and 0.00032; TOPMed 0.00028; 1000 Genomes Project 30x 0.00031; ESP Exome Variant Server 0.00046.
gnomAD v4.1: 80 of 1,614,230 alleles (0.005%); highest among the groups gnomAD compares: African/African-American, 0.1%; no homozygotes.

Submissions (2):

PreventionGenetics, part of Exact Sciences
Classification: Likely benign for NBAS-related condition. Last evaluated: 2026-09-13. Review status: criteria provided, single submitter. Criteria: ACMG Guidelines, 2015. Collection method: clinical testing. Allele origin: germline.
Comment: This variant is classified as likely benign based on ACMG/AMP sequence variant interpretation guidelines (Richards et al. 2015 PMID: 25741868, with internal and published modifications).

Labcorp Genetics (formerly Invitae), Labcorp
Classification: Likely benign. Last evaluated: 2026-01-19. Review status: criteria provided, single submitter. Criteria: Invitae Variant Classification Sherloc (09022015). Collection method: clinical testing. Allele origin: germline.